The following is an entry in ClinVar:

NM_207034.3(EDN3):c.504C>T (p.Ala168=)

Gene: EDN3 (endothelin 3; plus strand). Cytogenetic location: 20q13.32.
Variant type: single nucleotide variant.
Coding change: c.504C>T on transcript NM_207034.3 (MANE Select); coding-DNA position 504, C replaced by T.
Protein change: p.Ala168=; no amino-acid change (alanine 168 retained).
Molecular consequence: synonymous variant.
Genome position (GRCh38, 1-based): chr20:59,321,155, C>T. VCF-style: chr20-59321155-C-T. GRCh37 (hg19) VCF-style: chr20-57896210-C-T.
Other names: c.504C>T, p.Ala168= (NM_001302455.2, NM_001302456.2, NM_207032.3 and 1 more transcripts).
Identifiers: ClinVar variation 666687 (VCV000666687.4), dbSNP rs1600756985, ClinGen allele CA511274751.
Genomic context (GRCh38, chr20:59,321,155, plus strand): 5'-TCTGCAGCTCTCACATCGGCCACACTTGCGCTGCGCTTGTGTGGGGAGATATGACAAGGC[C>T]TGCCTGCACTTTTGCACCCAAACTCTGGACGTCAGCAGGTATGACACCTCCTCCAGTTTC-3'
Protein context (NP_996917.1, residues 158-178): RCACVGRYDK[Ala168=]CLHFCTQTLD

ClinVar aggregate classification (germline): Likely benign (1 of 4 stars; one submission).

Submission:

Laboratory for Molecular Medicine, Mass General Brigham Personalized Medicine
Classification: Likely benign. Last evaluated: 2018-08-08. Review status: criteria provided, single submitter. Criteria: LMM Criteria. Collection method: clinical testing. Allele origin: germline. Observed: 1 variant allele.
Comment: The p.Ala168Ala variant in EDN3 is classified as likely benign because it does n ot alter an amino acid residue, it is not located within the splice consensus se quence, and splice prediction algorithms do not predict a newly created splice s ite. ACMG/AMP Criteria applied: BP4, BP7, PM2.